The following is an entry in ClinVar:

NM_000368.5(TSC1):c.1061G>A (p.Gly354Asp)

Gene: TSC1 (TSC complex subunit 1; minus strand). Cytogenetic location: 9q34.13.
Variant type: single nucleotide variant.
Coding change: c.1061G>A on transcript NM_000368.5 (MANE Select); coding-DNA position 1061, G replaced by A.
Protein change: p.Gly354Asp; replaces glycine 354 with aspartic acid.
Molecular consequence: missense variant. On other transcripts: non-coding transcript variant (5).
Genome position (GRCh38, 1-based): chr9:132,911,082, C>T on the plus strand (G>A on the coding strand, the complement: TSC1 is on the minus strand). VCF-style: chr9-132911082-C-T. GRCh37 (hg19) VCF-style: chr9-135786469-C-T.
Other names: c.698G>A, p.Gly233Asp (NM_001406615.1, NM_001406616.1, NM_001406617.1 and 10 more transcripts); c.110G>A, p.Gly37Asp (NM_001406626.1, NM_001406627.1, NM_001406628.1); c.11G>A, p.Gly4Asp (NM_001406629.1, NM_001406630.1); c.1061G>A, p.Gly354Asp (NM_001162426.2, NM_001406592.1, NM_001406593.1 and 16 more transcripts); c.908G>A, p.Gly303Asp (NM_001162427.2, NM_001406610.1, NM_001406611.1 and 2 more transcripts); short protein forms G354D, G37D, G303D, G233D, G4D.
Identifiers: ClinVar variation 2625196 (VCV002625196.3), dbSNP rs2131962534, ClinGen allele CA375367744.

ClinVar aggregate classification (germline): Uncertain significance (1 of 4 stars; one submission).

Conditions:
Hereditary cancer-predisposing syndrome. Also called: Neoplastic Syndromes, Hereditary; Tumor predisposition; Hereditary Cancer Syndrome; Hereditary neoplastic syndrome. Identifiers: Orphanet 140162, MedGen C0027672, MeSH D009386, MONDO:0015356.

Allele frequency attached by ClinVar (database versions not stated): gnomAD exomes below 0.00001.
gnomAD v4.1: 1 of 1,614,088 alleles (0.000062%); highest among the groups gnomAD compares: Non-Finnish European, 0.000085%; no homozygotes.

Submission:

Ambry Genetics
Classification: Uncertain significance for Hereditary cancer-predisposing syndrome. Last evaluated: 2026-05-14. Review status: criteria provided, single submitter. Criteria: Ambry Variant Classification Scheme 2023. Collection method: clinical testing. Allele origin: germline.
Comment: The p.G354D variant (also known as c.1061G>A), located in coding exon 9 of the TSC1 gene, results from a G to A substitution at nucleotide position 1061. The glycine at codon 354 is replaced by aspartic acid, an amino acid with similar properties. This amino acid position is highly conserved in available vertebrate species. In addition, this alteration is predicted to be deleterious by in silico analysis. Based on the available evidence, the clinical significance of this variant remains unclear.